The following is an entry in ClinVar:

NM_031935.3(HMCN1):c.9667A>G (p.Thr3223Ala)

Gene: HMCN1 (hemicentin 1; plus strand). Cytogenetic location: 1q31.1.
Variant type: single nucleotide variant.
Coding change: c.9667A>G on transcript NM_031935.3 (MANE Select); coding-DNA position 9667, A replaced by G.
Protein change: p.Thr3223Ala; replaces threonine 3223 with alanine.
Molecular consequence: missense variant.
Genome position (GRCh38, 1-based): chr1:186,088,695, A>G. VCF-style: chr1-186088695-A-G. GRCh37 (hg19) VCF-style: chr1-186057827-A-G.
Other names: short protein forms T3223A.
Identifiers: ClinVar variation 3677278 (VCV003677278.2).
Genomic context (GRCh38, chr1:186,088,695, plus strand): 5'-TTGTCTGGAGGTAGCAAACTCCAGATTGCCCGGTCTCAGCATTCAGATAGTGGAAACTAT[A>G]CATGTATTGCTTCAAATATGGAGGGAAAAGCCCAGAAATATTACTTTCTTTCAATTCAAG-3'
Protein context (NP_114141.2, residues 3213-3233): RSQHSDSGNY[Thr3223Ala]CIASNMEGKA

ClinVar aggregate classification (germline): Uncertain significance (1 of 4 stars; one submission).

gnomAD v4.1: 2 of 1,611,670 alleles (0.00012%); highest among the groups gnomAD compares: Non-Finnish European, 0.00017%; no homozygotes.

Submission:

Labcorp Genetics (formerly Invitae), Labcorp
Classification: Uncertain significance. Last evaluated: 2024-02-27. Review status: criteria provided, single submitter. Criteria: Invitae Variant Classification Sherloc (09022015). Collection method: clinical testing. Allele origin: germline.
Comment: This sequence change replaces threonine, which is neutral and polar, with alanine, which is neutral and non-polar, at codon 3223 of the HMCN1 protein (p.Thr3223Ala). This variant is present in population databases (no rsID available, gnomAD 0.0009%). This variant has not been reported in the literature in individuals affected with HMCN1-related conditions. An algorithm developed to predict the effect of missense changes on protein structure and function (PolyPhen-2) suggests that this variant is likely to be disruptive. In summary, the available evidence is currently insufficient to determine the role of this variant in disease. Therefore, it has been classified as a Variant of Uncertain Significance.